The following is an entry in ClinVar:

ClinVar aggregate classification (germline): Pathogenic (1 of 4 stars; one submission).

Submission:

GeneDx
Classification: Pathogenic. Last evaluated: 2023-12-12. Review status: criteria provided, single submitter. Criteria: GeneDx Variant Classification Process June 2021. Collection method: clinical testing. Allele origin: germline. Affected: yes.
Comment: Identified in an individual with generalized HaileyHailey disease in the published literature (PMID: 31660662); Frameshift variant predicted to result in protein truncation or nonsense mediated decay in a gene for which loss of function is a known mechanism of disease; Not observed at significant frequency in large population cohorts (gnomAD); This variant is associated with the following publications: (PMID: 31660662)

NM_001378687.1(ATP2C1):c.1535_1536dup (p.Glu513fs)

Gene: ATP2C1 (ATPase secretory pathway Ca2+ transporting 1; plus strand). Cytogenetic location: 3q22.1.
Variant type: Duplication.
Coding change: c.1535_1536dup on transcript NM_001378687.1 (MANE Select); coding-DNA positions 1535 to 1536, 2 bases duplicated (AA; older notation c.1535_1536dupAA).
Protein change: p.Glu513fs; shifts the reading frame from glutamic acid 513.
Molecular consequence: frameshift variant.
Genome position (GRCh38, 1-based): chr3:130,975,453-130,975,454, AA duplicated. VCF-style (leftmost placement, unchanged base first): chr3-130975452-C-CAA. GRCh37 (hg19) VCF-style: chr3-130694296-C-CAA.
Other names: c.1535_1536dup, p.Glu513fs (NM_001378513.1, NM_014382.5, NM_001001485.3 and 5 more transcripts); c.1487_1488dup, p.Glu497fs (NM_001378514.1, NM_001199183.2, NM_001199184.3); c.1535_1536dupAA (NM_014382.3); c.1535_1536dup (NM_014382.3); c.1637_1638dup, p.Glu547fs (NM_001199180.2, NM_001199181.3, NM_001378511.1); c.1520_1521dup, p.Glu508fs (NM_001199182.2); short protein forms E513fs, E547fs, E497fs, E508fs.
Identifiers: ClinVar variation 429384 (VCV000429384.2), dbSNP rs1131691355, ClinGen allele CA645369339.